The following is an entry in ClinVar:

NM_020919.4(ALS2):c.2430T>G (p.Asn810Lys)

Gene: ALS2 (alsin Rho guanine nucleotide exchange factor ALS2; minus strand). Cytogenetic location: 2q33.1.
Variant type: single nucleotide variant.
Coding change: c.2430T>G on transcript NM_020919.4 (MANE Select); coding-DNA position 2430, T replaced by G.
Protein change: p.Asn810Lys; replaces asparagine 810 with lysine.
Molecular consequence: missense variant.
Genome position (GRCh38, 1-based): chr2:201,733,426, A>C on the plus strand (T>G on the coding strand, the complement: ALS2 is on the minus strand). VCF-style: chr2-201733426-A-C. GRCh37 (hg19) VCF-style: chr2-202598149-A-C.
Other names: short protein forms N810K.
Identifiers: ClinVar variation 947135 (VCV000947135.9), dbSNP rs1691694793, ClinGen allele CA350324273.

ClinVar aggregate classification (germline): Uncertain significance (1 of 4 stars; one submission).

Conditions:
Infantile-onset ascending hereditary spastic paralysis (IAHSP). Also called: Autosomal Recessive Juvenile Amyotrophic Lateral Sclerosis; Infantile-Onset Ascending Hereditary Spastic Paralysis (IAHSP). Identifiers: Orphanet 293168, MedGen C2931441, MONDO:0011797, OMIM 607225. Disease mechanism: loss of function.

Submission:

Labcorp Genetics (formerly Invitae), Labcorp
Classification: Uncertain significance for Infantile-onset ascending hereditary spastic paralysis. Last evaluated: 2019-07-26. Review status: criteria provided, single submitter. Criteria: Invitae Variant Classification Sherloc (09022015). Collection method: clinical testing. Allele origin: germline.
Comment: In summary, the available evidence is currently insufficient to determine the role of this variant in disease. Therefore, it has been classified as a Variant of Uncertain Significance. Algorithms developed to predict the effect of sequence changes on RNA splicing suggest that this variant may create or strengthen a splice site, but this prediction has not been confirmed by published transcriptional studies. Algorithms developed to predict the effect of missense changes on protein structure and function (SIFT, PolyPhen-2, Align-GVGD) all suggest that this variant is likely to be tolerated, but these predictions have not been confirmed by published functional studies and their clinical significance is uncertain. This variant has not been reported in the literature in individuals with ALS2-related conditions. This variant is not present in population databases (ExAC no frequency). This sequence change replaces asparagine with lysine at codon 810 of the ALS2 protein (p.Asn810Lys). The asparagine residue is weakly conserved and there is a moderate physicochemical difference between asparagine and lysine.